The following is an entry in ClinVar:

ClinVar aggregate classification (germline): Uncertain significance (1 of 4 stars; one submission).

Conditions:
Familial hemiplegic migraine. Identifiers: MedGen C0338484, MONDO:0000700.

Submission:

Labcorp Genetics (formerly Invitae), Labcorp
Classification: Uncertain significance for Familial hemiplegic migraine. Last evaluated: 2024-07-15. Review status: criteria provided, single submitter. Criteria: Invitae Variant Classification Sherloc (09022015). Collection method: clinical testing. Allele origin: germline.
Comment: This sequence change falls in intron 7 of the ATP1A2 gene. It does not directly change the encoded amino acid sequence of the ATP1A2 protein. It affects a nucleotide within the consensus splice site. This variant is not present in population databases (gnomAD no frequency). This variant has not been reported in the literature in individuals affected with ATP1A2-related conditions. Variants that disrupt the consensus splice site are a relatively common cause of aberrant splicing (PMID: 17576681, 9536098). Algorithms developed to predict the effect of sequence changes on RNA splicing suggest that this variant is not likely to affect RNA splicing. In summary, the available evidence is currently insufficient to determine the role of this variant in disease. Therefore, it has been classified as a Variant of Uncertain Significance.

Literature cited by the submitters: PubMed 17576681; PubMed 9536098.

NM_000702.4(ATP1A2):c.748+3G>T

Genes: ATP1A2 (ATPase Na+/K+ transporting subunit alpha 2; plus strand), LOC126805890 (CDK7 strongly-dependent group 2 enhancer GRCh37_chr1:160093987-160095186; plus strand). Cytogenetic location: 1q23.2.
Variant type: single nucleotide variant.
Coding change: c.748+3G>T on transcript NM_000702.4 (MANE Select); 3 bases into the intron after coding-DNA position 748, G replaced by T.
Molecular consequence: intron variant.
Genome position (GRCh38, 1-based): chr1:160,125,256, G>T. VCF-style: chr1-160125256-G-T. GRCh37 (hg19) VCF-style: chr1-160095046-G-T.
Identifiers: ClinVar variation 2996088 (VCV002996088.3), dbSNP rs767929498, ClinGen allele CA2740090267.